The following is an entry in ClinVar:

ClinVar aggregate classification (germline): Uncertain significance (1 of 4 stars; one submission).

Submission:

GeneDx
Classification: Uncertain significance. Last evaluated: 2020-08-05. Review status: criteria provided, single submitter. Criteria: GeneDx Variant Classification Process June 2021. Collection method: clinical testing. Allele origin: germline. Affected: yes.
Comment: Not observed in large population cohorts (Lek et al., 2016); In silico analysis supports that this missense variant has a deleterious effect on protein structure/function; Has not been previously published as pathogenic or benign to our knowledge

NM_152641.4(ARID2):c.1673G>C (p.Arg558Pro)

Gene: ARID2 (AT-rich interaction domain 2; plus strand). Cytogenetic location: 12q12.
Variant type: single nucleotide variant.
Coding change: c.1673G>C on transcript NM_152641.4 (MANE Select); coding-DNA position 1673, G replaced by C.
Protein change: p.Arg558Pro; replaces arginine 558 with proline.
Molecular consequence: missense variant.
Genome position (GRCh38, 1-based): chr12:45,848,928, G>C. VCF-style: chr12-45848928-G-C. GRCh37 (hg19) VCF-style: chr12-46242711-G-C.
Other names: c.1673G>C, p.Arg558Pro (NM_001347839.2); short protein forms R558P.
Identifiers: ClinVar variation 1302414 (VCV001302414.2), dbSNP rs1331723696, ClinGen allele CA384465715.
Genomic context (GRCh38, chr12:45,848,928, plus strand): 5'-GTTCTGTTTCTCGAGCAGAAATGTATTCTGAATACCTCTCGACTTGCAGTAAATTAGCTC[G>C]TGGTGGAATCCTAACATCAACTGGATTTTATAAATGTCTTAGGTAGGATCCATAGTTCTT-3'
Protein context (NP_689854.2, residues 548-568): EYLSTCSKLA[Arg558Pro]GGILTSTGFY